The following is an entry in ClinVar:

NM_006073.4(TRDN):c.220A>G (p.Lys74Glu)

Gene: TRDN (triadin; minus strand). Cytogenetic location: 6q22.31.
Variant type: single nucleotide variant.
Coding change: c.220A>G on transcript NM_006073.4 (MANE Select); coding-DNA position 220, A replaced by G.
Protein change: p.Lys74Glu; replaces lysine 74 with glutamic acid.
Molecular consequence: missense variant.
Genome position (GRCh38, 1-based): chr6:123,570,935, T>C on the plus strand (A>G on the coding strand, the complement: TRDN is on the minus strand). VCF-style: chr6-123570935-T-C. GRCh37 (hg19) VCF-style: chr6-123892080-T-C.
Other names: c.220A>G, p.Lys74Glu (NM_001251987.2, NM_001256020.2, NM_001256021.2 and 2 more transcripts); short protein forms K74E.
Identifiers: ClinVar variation 3461008 (VCV003461008.1).

ClinVar aggregate classification (germline): Uncertain significance (1 of 4 stars; one submission).

Conditions:
Cardiovascular phenotype. Identifiers: MedGen CN230736.

Submission:

Ambry Genetics
Classification: Uncertain significance for Cardiovascular phenotype. Last evaluated: 2024-11-05. Review status: criteria provided, single submitter. Criteria: Ambry Variant Classification Scheme 2023. Collection method: clinical testing. Allele origin: germline.
Comment: The p.K74E variant (also known as c.220A>G), located in coding exon 2 of the TRDN gene, results from an A to G substitution at nucleotide position 220. The lysine at codon 74 is replaced by glutamic acid, an amino acid with similar properties. This amino acid position is conserved. In addition, the in silico prediction for this alteration is inconclusive. Based on the available evidence, the clinical significance of this variant remains unclear.